The following is an entry in ClinVar:

NM_000169.3(GLA):c.899T>C (p.Leu300Pro)

Genes: GLA (galactosidase alpha; minus strand), RPL36A-HNRNPH2 (RPL36A-HNRNPH2 readthrough; plus strand). Cytogenetic location: Xq22.1.
Variant type: single nucleotide variant.
Coding change: c.899T>C on transcript NM_000169.3 (MANE Select); coding-DNA position 899, T replaced by C.
Protein change: p.Leu300Pro; replaces leucine 300 with proline.
Molecular consequence: missense variant. On other transcripts: non-coding transcript variant (3), intron variant (2).
Genome position (GRCh38, 1-based): chrX:101,398,470, A>G on the plus strand (T>C on the coding strand, the complement: GLA is on the minus strand). VCF-style: chrX-101398470-A-G. GRCh37 (hg19) VCF-style: chrX-100653458-A-G.
Other names: c.1022T>C, p.Leu341Pro (NM_001406747.1); c.899T>C, p.Leu300Pro (NM_001406748.1); c.300+3013A>G (NM_001199973.2); c.177+6648A>G (NM_001199974.2); short protein forms L341P.
Identifiers: ClinVar variation 92569 (VCV000092569.25), dbSNP rs398123223, ClinGen allele CA022159.

ClinVar aggregate classification (germline): Pathogenic/Likely pathogenic. Review status: criteria provided, multiple submitters, no conflicts (2 of 4 stars). 7 submissions from 7 submitters: Pathogenic (6); Likely pathogenic (1). Last evaluated 2026-09-08.

Conditions:
Fabry disease. Also called: Ceramide trihexosidosis; Fabry's disease; HEREDITARY DYSTOPIC LIPIDOSIS; Angiokeratoma corporis diffusum; ALPHA-GALACTOSIDASE A DEFICIENCY; ANDERSON-FABRY DISEASE. Identifiers: Orphanet 324, MedGen C0002986, MONDO:0010526, OMIM 301500, HP:0001071. Disease mechanism: Fabry disease is due to inactivating mutations in the X-linked GLA gene resulting in deficiency of the enzyme Alpha Galactosidase-A., loss of function.

Submissions (7):

Genomenon, Inc
Classification: Pathogenic for Fabry disease. Last evaluated: 2026-09-08. Review status: criteria provided, single submitter. Criteria: Genomenon Sequence Variant Interpretation Standards - Updated. Collection method: curation. Allele origin: germline. Affected: yes.
Comment: GLA p.Leu300Pro (c.899T>C) is a missense variant that changes the amino acid at codon 300 from Leucine to Proline. This variant has been observed in at least one proband with clinical features consistent with Fabry disease (PMID:28749998;27657681;33072516;33954932;38002959;35470680;30723321). The variant was found to segregate with disease in at least one affected family (PMID:38002959). At least one functional study has demonstrated a substantial alteration in protein function relative to the wild-type (PMID:21598360;30723321;27657681). It is absent or not present at a significant frequency in gnomAD. In silico models predict that this variant is possibly or probably damaging. In conclusion, we classify GLA p.Leu300Pro (c.899T>C) as a pathogenic variant.

Genetics Laboratory, Great Ormond Street Hospital NHS Foundation Trust, North Thames Genomic Laboratory Hub
Classification: Pathogenic for Fabry disease. Last evaluated: 2026-08-18. Review status: criteria provided, single submitter. Criteria: ACGS Best Practice Guidelines for Variant Classification in Rare Disease 2024 v1.2. Collection method: clinical testing. Allele origin: germline. Affected: yes.
Comment: PS4_moderate, PM2_moderate, PP3_supporting, PM5_moderate, PP4_strong

Illumina Laboratory Services, Illumina
Classification: Likely pathogenic for Fabry disease. Last evaluated: 2024-09-05. Review status: criteria provided, single submitter. Criteria: ICSLVariantClassificationCriteria RUGD 01 April 2020. Collection method: clinical testing. Allele origin: unknown.

Labcorp Genetics (formerly Invitae), Labcorp
Classification: Pathogenic for Fabry disease. Last evaluated: 2023-08-17. Review status: criteria provided, single submitter. Criteria: Invitae Variant Classification Sherloc (09022015). Collection method: clinical testing. Allele origin: germline.
Comment: This variant is not present in population databases (gnomAD no frequency). This sequence change replaces leucine, which is neutral and non-polar, with proline, which is neutral and non-polar, at codon 300 of the GLA protein (p.Leu300Pro). This missense change has been observed in individual(s) with Fabry disease (PMID: 18698230, 19387866). ClinVar contains an entry for this variant (Variation ID: 92569). Advanced modeling of protein sequence and biophysical properties (such as structural, functional, and spatial information, amino acid conservation, physicochemical variation, residue mobility, and thermodynamic stability) has been performed at Invitae for this missense variant, however the output from this modeling did not meet the statistical confidence thresholds required to predict the impact of this variant on GLA protein function. Experimental studies have shown that this missense change affects GLA function (PMID: 21598360). This variant disrupts the p.Leu300 amino acid residue in GLA. Other variant(s) that disrupt this residue have been observed in individuals with GLA-related conditions (PMID: 22004918, 28728877), which suggests that this may be a clinically significant amino acid residue. For these reasons, this variant has been classified as Pathogenic.

Genome-Nilou Lab
Classification: Pathogenic for Fabry disease. Last evaluated: 2021-07-15. Review status: criteria provided, single submitter. Criteria: ACMG Guidelines, 2015. Collection method: clinical testing. Allele origin: germline. Affected: no.

Women's Health and Genetics/Laboratory Corporation of America, LabCorp
Classification: Pathogenic for Fabry disease. Last evaluated: 2016-03-08. Review status: criteria provided, single submitter. Criteria: LabCorp Variant Classification Summary - May 2015. Collection method: clinical testing. Allele origin: germline.
Comment: Variant summary: Variant affects a conserved nucleotide an results in a replacement of a Leucine (L) with a Proline (P). 5/5 in silico tools predict the variant to be disease causing. The variant is absent from the large and broad cohorts of the ExAC project but was reported in several Fabry patients (Benjamin_JIMD_200; Wu_HM_2011, Lenders_Neurology_2015) indicating pathogenicity. Several independent publications report the variant to result in loss of -Gal A Activity, further supporting a deleterious outcome (Benjamin_JIMD_2009; Shin_Biochem Biophys Res Commun_2007; Wu_HM_2011). Of note, in the presence of DGJ (DGJ, migalastat hydrochloride, AT1001)) -Gal A activity increased 36 times in T cells derived from variant carrier patients (Shin_Biochem Biophys Res Commun_2007) suggesting that patients with the variant of interest migh benefit from DGJ therapy. Additionally, a reputable data base and ClinVar lists variant as pathogenic. Moreover, HGMD lists variants affecting the same codon (c.899T>A, p.Leu300His; c. c.898C>T, p.Leu300Phe) as pathogenic, indicating the variant to be located in a mutational hotspot and suggesting a particular functional importance of the Leu300 residue. Considering all evidence, the variant was classified as Pathogenic.

Eurofins Ntd Llc (ga)
Classification: Pathogenic. Last evaluated: 2013-10-01. Review status: criteria provided, single submitter. Criteria: EGL Classification Definitions 2015. Collection method: clinical testing. Allele origin: germline. Observed: 2 variant alleles, 2 heterozygotes.

Literature cited by the submitters: PubMed 28749998 (cited by Genomenon, Inc); PubMed 27657681 (cited by Genomenon, Inc); PubMed 33072516 (cited by Genomenon, Inc); PubMed 33954932 (cited by Genomenon, Inc); PubMed 38002959 (cited by Genomenon, Inc); PubMed 35470680 (cited by Genomenon, Inc); PubMed 30723321 (cited by Genomenon, Inc); PubMed 21598360 (cited by 3 submitters); PubMed 18698230 (cited by Labcorp Genetics (formerly Invitae), Labcorp); PubMed 19387866 (cited by Labcorp Genetics (formerly Invitae), Labcorp and Women's Health and Genetics/Laboratory Corporation of America, LabCorp); PubMed 22004918 (cited by Labcorp Genetics (formerly Invitae), Labcorp and Women's Health and Genetics/Laboratory Corporation of America, LabCorp); PubMed 28728877 (cited by Labcorp Genetics (formerly Invitae), Labcorp); PubMed 17532296 (cited by Women's Health and Genetics/Laboratory Corporation of America, LabCorp); PubMed 21092187 (cited by Women's Health and Genetics/Laboratory Corporation of America, LabCorp); PubMed 25663229 (cited by Women's Health and Genetics/Laboratory Corporation of America, LabCorp).